The following is an entry in ClinVar:

NM_005902.4(SMAD3):c.625C>A (p.Pro209Thr)

Gene: SMAD3 (SMAD family member 3; plus strand). Cytogenetic location: 15q22.33.
Variant type: single nucleotide variant.
Coding change: c.625C>A on transcript NM_005902.4 (MANE Select); coding-DNA position 625, C replaced by A.
Protein change: p.Pro209Thr; replaces proline 209 with threonine.
Molecular consequence: missense variant.
Genome position (GRCh38, 1-based): chr15:67,170,571, C>A. VCF-style: chr15-67170571-C-A. GRCh37 (hg19) VCF-style: chr15-67462909-C-A.
Other names: c.310C>A, p.Pro104Thr (NM_001145102.2, NM_001407016.1); c.493C>A, p.Pro165Thr (NM_001145103.2, NM_001407012.1); c.40C>A, p.Pro14Thr (NM_001145104.2, NM_001407017.1); c.625C>A, p.Pro209Thr (NM_001407011.1, NM_001407013.1); c.478C>A, p.Pro160Thr (NM_001407014.1); c.178C>A, p.Pro60Thr (NM_001407015.1); c.625C>A (NM_005902.3); short protein forms P60T, P209T, P14T, P165T, P104T, P160T.
Identifiers: ClinVar variation 2774510 (VCV002774510.5), dbSNP rs1307369777, ClinGen allele CA392955017.
Genomic context (GRCh38, chr15:67,170,571, plus strand): 5'-CAAGAATCTTTTGTGAAGTCTCACAACTTGTCTCACCTCGCAGGTTCTCCAAACCTATCC[C>A]CGAATCCGATGTCCCCAGCACATAATAACTTGGGTGAGTATCTCCTTGTGCACACAACTG-3'
Protein context (NP_005893.1, residues 199-219): SMDAGSPNLS[Pro209Thr]NPMSPAHNNL

ClinVar aggregate classification (germline): Uncertain significance. Review status: criteria provided, multiple submitters, no conflicts (2 of 4 stars). 3 submissions from 3 submitters: Uncertain significance (3). Last evaluated 2025-05-12.

Conditions:
Familial thoracic aortic aneurysm and aortic dissection (TAAD). Also called: Thoracic aortic aneurysms and dissections. Identifiers: Orphanet 91387, MedGen C4707243, MONDO:0019625.

Allele frequency attached by ClinVar (database versions not stated): gnomAD exomes 0.00001.
gnomAD v4.1: 8 of 1,614,070 alleles (0.0005%); highest among the groups gnomAD compares: Non-Finnish European, 0.00068%; no homozygotes.

Submissions (3):

Labcorp Genetics (formerly Invitae), Labcorp
Classification: Uncertain significance for Familial thoracic aortic aneurysm and aortic dissection. Last evaluated: 2025-05-12. Review status: criteria provided, single submitter. Criteria: Invitae Variant Classification Sherloc (09022015). Collection method: clinical testing. Allele origin: germline.
Comment: This sequence change replaces proline, which is neutral and non-polar, with threonine, which is neutral and polar, at codon 209 of the SMAD3 protein (p.Pro209Thr). This variant is not present in population databases (gnomAD no frequency). This variant has not been reported in the literature in individuals affected with SMAD3-related conditions. ClinVar contains an entry for this variant (Variation ID: 2774510). Invitae Evidence Modeling of protein sequence and biophysical properties (such as structural, functional, and spatial information, amino acid conservation, physicochemical variation, residue mobility, and thermodynamic stability) indicates that this missense variant is not expected to disrupt SMAD3 protein function with a negative predictive value of 95%. In summary, the available evidence is currently insufficient to determine the role of this variant in disease. Therefore, it has been classified as a Variant of Uncertain Significance.

Ambry Genetics
Classification: Uncertain significance for Familial thoracic aortic aneurysm and aortic dissection. Last evaluated: 2024-12-14. Review status: criteria provided, single submitter. Criteria: Ambry Variant Classification Scheme 2023. Collection method: clinical testing. Allele origin: germline.
Comment: The p.P209T variant (also known as c.625C>A), located in coding exon 5 of the SMAD3 gene, results from a C to A substitution at nucleotide position 625. The proline at codon 209 is replaced by threonine, an amino acid with highly similar properties. This amino acid position is conserved. In addition, this alteration is predicted to be deleterious by in silico analysis. Based on the available evidence, the clinical significance of this variant remains unclear.

Color Diagnostics, LLC DBA Color Health
Classification: Uncertain significance for Familial thoracic aortic aneurysm and aortic dissection. Last evaluated: 2024-03-06. Review status: criteria provided, single submitter. Criteria: ACMG Guidelines, 2015. Collection method: clinical testing. Allele origin: germline.
Comment: This missense variant replaces proline with threonine at codon 209 of the SMAD3 protein. Computational prediction is inconclusive regarding the impact of this variant on protein structure and function (internally defined REVEL score threshold 0.5 < inconclusive < 0.7, PMID: 27666373). To our knowledge, functional studies have not been reported for this variant. This variant has not been reported in individuals affected with cardiovascular disorders in the literature. This variant has not been identified in the general population by the Genome Aggregation Database (gnomAD). The available evidence is insufficient to determine the role of this variant in disease conclusively. Therefore, this variant is classified as a Variant of Uncertain Significance.